The following is an entry in ClinVar:

ClinVar aggregate classification (germline): Uncertain significance. Review status: criteria provided, multiple submitters, no conflicts (2 of 4 stars). 2 submissions from 2 submitters: Uncertain significance (2). Last evaluated 2024-12-20.

gnomAD v4.1: 2 of 1,614,076 alleles (0.00012%); highest among the groups gnomAD compares: Non-Finnish European, 0.000085%; no homozygotes.

Submissions (2):

Ambry Genetics
Classification: Uncertain significance. Last evaluated: 2024-12-20. Review status: criteria provided, single submitter. Criteria: Ambry Variant Classification Scheme 2023. Collection method: clinical testing. Allele origin: germline.
Comment: The p.P931A variant (also known as c.2791C>G), located in coding exon 1 of the TET2 gene, results from a C to G substitution at nucleotide position 2791. The proline at codon 931 is replaced by alanine, an amino acid with highly similar properties. This amino acid position is conserved. In addition, this alteration is predicted to be tolerated by in silico analysis. Based on the available evidence, the clinical significance of this variant remains unclear.

Labcorp Genetics (formerly Invitae), Labcorp
Classification: Uncertain significance. Last evaluated: 2024-05-21. Review status: criteria provided, single submitter. Criteria: Invitae Variant Classification Sherloc (09022015). Collection method: clinical testing. Allele origin: germline.
Comment: This sequence change replaces proline, which is neutral and non-polar, with alanine, which is neutral and non-polar, at codon 931 of the TET2 protein (p.Pro931Ala). This variant is not present in population databases (gnomAD no frequency). This variant has not been reported in the literature in individuals affected with TET2-related conditions. An algorithm developed to predict the effect of missense changes on protein structure and function (PolyPhen-2) suggests that this variant is likely to be tolerated. In summary, the available evidence is currently insufficient to determine the role of this variant in disease. Therefore, it has been classified as a Variant of Uncertain Significance.

NM_001127208.3(TET2):c.2791C>G (p.Pro931Ala)

Genes: TET2 (tet methylcytosine dioxygenase 2; plus strand), TET2-AS1 (TET2 antisense RNA 1; minus strand). Cytogenetic location: 4q24.
Variant type: single nucleotide variant.
Coding change: c.2791C>G on transcript NM_001127208.3 (MANE Select); coding-DNA position 2791, C replaced by G.
Protein change: p.Pro931Ala; replaces proline 931 with alanine.
Molecular consequence: missense variant.
Genome position (GRCh38, 1-based): chr4:105,236,733, C>G. VCF-style: chr4-105236733-C-G. GRCh37 (hg19) VCF-style: chr4-106157890-C-G.
Other names: c.2791C>G, p.Pro931Ala (NM_017628.4); short protein forms P931A.
Identifiers: ClinVar variation 3684844 (VCV003684844.3).